The following is an entry in ClinVar:

NM_000428.3(LTBP2):c.3485G>C (p.Cys1162Ser)

Gene: LTBP2 (latent transforming growth factor beta binding protein 2; minus strand). Cytogenetic location: 14q24.3.
Variant type: single nucleotide variant.
Coding change: c.3485G>C on transcript NM_000428.3 (MANE Select); coding-DNA position 3485, G replaced by C.
Protein change: p.Cys1162Ser; replaces cysteine 1162 with serine.
Molecular consequence: missense variant.
Genome position (GRCh38, 1-based): chr14:74,508,871, C>G on the plus strand (G>C on the coding strand, the complement: LTBP2 is on the minus strand). VCF-style: chr14-74508871-C-G. GRCh37 (hg19) VCF-style: chr14-74975574-C-G.
Other names: short protein forms C1162S.
Identifiers: ClinVar variation 1492419 (VCV001492419.4), dbSNP rs200633634, ClinGen allele CA7269154.
Genomic context (GRCh38, chr14:74,508,871, plus strand): 5'-GGTGACCTGGGTCACTCACCCTCACACACGGTGCCATTGGCCAGCTGGAAGCCCTGGGGA[C>G]AGAGGCACTGGTAGGAGCCCACAGTGTTCTTGCACTCGCCTCCCAGGCAGCTGCTCTGGG-3'
Protein context (NP_000419.1, residues 1152-1172): KNTVGSYQCL[Cys1162Ser]PQGFQLANGT

ClinVar aggregate classification (germline): Uncertain significance (1 of 4 stars; one submission).

Allele frequency attached by ClinVar (database versions not stated): gnomAD 0.00001; ExAC 0.00002; gnomAD exomes 0.00002 and 0.00003; TOPMed 0.00002.
gnomAD v4.1: 29 of 1,613,668 alleles (0.0018%); highest among the groups gnomAD compares: Non-Finnish European, 0.001%; no homozygotes.

Submission:

Labcorp Genetics (formerly Invitae), Labcorp
Classification: Uncertain significance. Last evaluated: 2022-07-18. Review status: criteria provided, single submitter. Criteria: Invitae Variant Classification Sherloc (09022015). Collection method: clinical testing. Allele origin: germline.
Comment: In summary, the available evidence is currently insufficient to determine the role of this variant in disease. Therefore, it has been classified as a Variant of Uncertain Significance. ClinVar contains an entry for this variant (Variation ID: 1492419). This variant has not been reported in the literature in individuals affected with LTBP2-related conditions. This variant is present in population databases (rs200633634, gnomAD 0.04%). This sequence change replaces cysteine, which is neutral and slightly polar, with serine, which is neutral and polar, at codon 1162 of the LTBP2 protein (p.Cys1162Ser). Algorithms developed to predict the effect of missense changes on protein structure and function (SIFT, PolyPhen-2, Align-GVGD) all suggest that this variant is likely to be disruptive. Algorithms developed to predict the effect of sequence changes on RNA splicing suggest that this variant may create or strengthen a splice site.